The following is an entry in ClinVar:

NM_001267550.2(TTN):c.74261T>C (p.Val24754Ala)

Genes: TTN (titin; minus strand), TTN-AS1 (TTN antisense RNA 1; plus strand). Cytogenetic location: 2q31.2.
Variant type: single nucleotide variant.
Coding change: c.74261T>C on transcript NM_001267550.2 (MANE Select); coding-DNA position 74261, T replaced by C.
Protein change: p.Val24754Ala; replaces valine 24754 with alanine.
Molecular consequence: missense variant.
Genome position (GRCh38, 1-based): chr2:178,571,871, A>G on the plus strand (T>C on the coding strand, the complement: TTN is on the minus strand). VCF-style: chr2-178571871-A-G. GRCh37 (hg19) VCF-style: chr2-179436598-A-G.
Other names: c.66557T>C, p.Val22186Ala (NM_133378.4); c.47441T>C, p.Val15814Ala (NM_133432.3); c.47642T>C, p.Val15881Ala (NM_133437.4); c.69338T>C, p.Val23113Ala (NM_001256850.1); c.47066T>C, p.Val15689Ala (NM_003319.4); short protein forms V15689A, V15814A, V15881A, V22186A, V23113A, V24754A.
Identifiers: ClinVar variation 3025774 (VCV003025774.22), dbSNP rs12616029, ClinGen allele CA1990221.
Genomic context (GRCh38, chr2:178,571,871, plus strand): 5'-GTCAGTAGTGAATTATTTTCTGTGCTCTCTGCATTTACTCTAGTTGTCTGCTTCAGTGGT[A>G]CATTATCTTTATGCCAGGTTACAGCTGGGGTAGGGCGGCCAATGAATGGAACATCAACTT-3'
Protein context (NP_001254479.2, residues 24744-24764): TPAVTWHKDN[Val24754Ala]PLKQTTRVNA

ClinVar aggregate classification (germline): Uncertain significance (1 of 4 stars; one submission).

Allele frequency attached by ClinVar (database versions not stated): TOPMed below 0.00001; ExAC 0.00001; gnomAD exomes 0.00001; ESP Exome Variant Server 0.00008.
gnomAD v4.1: 6 of 1,613,508 alleles (0.00037%); highest among the groups gnomAD compares: Non-Finnish European, 0.00051%; no homozygotes.

Submission:

CeGaT Center for Human Genetics Tuebingen
Classification: Uncertain significance. Last evaluated: 2024-01-01. Review status: criteria provided, single submitter. Criteria: CeGaT Center For Human Genetics Tuebingen Variant Classification Criteria Version 2. Collection method: clinical testing. Allele origin: germline. Affected: yes. Observed: 1 variant allele.
Comment: TTN: PM2, BP4